The following is an entry in ClinVar:

ClinVar aggregate classification (germline): Uncertain significance (1 of 4 stars; one submission).

Conditions:
Hereditary cancer-predisposing syndrome. Also called: Neoplastic Syndromes, Hereditary; Tumor predisposition; Hereditary Cancer Syndrome; Hereditary neoplastic syndrome. Identifiers: Orphanet 140162, MedGen C0027672, MeSH D009386, MONDO:0015356.

Submission:

Ambry Genetics
Classification: Uncertain significance for Hereditary cancer-predisposing syndrome. Last evaluated: 2024-08-08. Review status: criteria provided, single submitter. Criteria: Ambry Variant Classification Scheme 2023. Collection method: clinical testing. Allele origin: germline.
Comment: The p.R1640P variant (also known as c.4919G>C), located in coding exon 15 of the APC gene, results from a G to C substitution at nucleotide position 4919. The arginine at codon 1640 is replaced by proline, an amino acid with dissimilar properties. This amino acid position is highly conserved in available vertebrate species. Based on the available evidence, the clinical significance of this variant remains unclear.

NM_000038.6(APC):c.4919G>C (p.Arg1640Pro)

Gene: APC (APC regulator of Wnt signaling pathway; plus strand). Cytogenetic location: 5q22.2.
Variant type: single nucleotide variant.
Coding change: c.4919G>C on transcript NM_000038.6 (MANE Select); coding-DNA position 4919, G replaced by C.
Protein change: p.Arg1640Pro; replaces arginine 1640 with proline.
Molecular consequence: missense variant. On other transcripts: non-coding transcript variant (2).
Genome position (GRCh38, 1-based): chr5:112,840,513, G>C. VCF-style: chr5-112840513-G-C. GRCh37 (hg19) VCF-style: chr5-112176210-G-C.
Other names: c.4919G>C, p.Arg1640Pro (NM_001127510.3, NM_001354895.2, NM_001407450.1); c.4865G>C, p.Arg1622Pro (NM_001127511.3); c.4973G>C, p.Arg1658Pro (NM_001354896.2, NM_001407447.1, NM_001407448.1 and 1 more transcripts); c.4949G>C, p.Arg1650Pro (NM_001354897.2); c.4844G>C, p.Arg1615Pro (NM_001354898.2); c.4835G>C, p.Arg1612Pro (NM_001354899.2); c.4796G>C, p.Arg1599Pro (NM_001354900.2); c.4742G>C, p.Arg1581Pro (NM_001354901.2, NM_001407453.1); and 11 more; short protein forms R1357P, R1511P, R1549P, R1630P, R1633P, R1650P, R1668P, R1514P.
Identifiers: ClinVar variation 3409741 (VCV003409741.1).